The following is an entry in ClinVar:

NM_000155.4(GALT):c.377+7A>G

Gene: GALT (galactose-1-phosphate uridylyltransferase; plus strand). Cytogenetic location: 9p13.3.
Variant type: single nucleotide variant.
Coding change: c.377+7A>G on transcript NM_000155.4 (MANE Select); 7 bases into the intron after coding-DNA position 377, A replaced by G.
Molecular consequence: intron variant.
Genome position (GRCh38, 1-based): chr9:34,647,712, A>G. VCF-style: chr9-34647712-A-G. GRCh37 (hg19) VCF-style: chr9-34647709-A-G.
Other names: c.51-120A>G (NM_001258332.2).
Identifiers: ClinVar variation 495677 (VCV000495677.13), dbSNP rs376026879, ClinGen allele CA5036099.
Genomic context (GRCh38, chr9:34,647,712, plus strand): 5'-CTCAGGACCCAGTGATCATCCCCTTTTCCAAGCAAAGTCTGCTCGAGGAGTCTGGTAACT[A>G]TGGATTTCCCCTCTTACAACTTTCAAACCAGAGTTGGAGACTCAGCATTGGGGTTCGGCC-3'

ClinVar aggregate classification (germline): Uncertain significance. Review status: reviewed by expert panel (3 of 4 stars). 4 submissions from 4 submitters: Uncertain significance (1). 3 of the submissions do not count toward it. Last evaluated 2026-09-21.

Conditions:
Deficiency of UDPglucose-hexose-1-phosphate uridylyltransferase. Also called: GALACTOSEMIA I; GALACTOSE-1-PHOSPHATE URIDYLYLTRANSFERASE DEFICIENCY; GALT deficiency; Galactosemia, classic; Transferase Deficiency Galactosemia. Identifiers: Orphanet 352, Orphanet 79239, MedGen C0268151, MONDO:0009258, OMIM 230400.
Galactosemia. Also called: Galactose intolerance. Identifiers: Orphanet 352, MedGen C0016952, MONDO:0018116, HP:0004919. Disease mechanism: loss of function.

Allele frequency attached by ClinVar (database versions not stated): gnomAD exomes below 0.00001; ExAC 0.00001; TOPMed 0.00001.
gnomAD v4.1: 4 of 1,614,070 alleles (0.00025%); highest among the groups gnomAD compares: Non-Finnish European, 0.00025%; no homozygotes.

Submissions (4):

Clingen Galactosemia Variant Curation Expert Panel, ClinGen
Classification: Uncertain significance for Galactosemia. Last evaluated: 2026-09-21. Review status: reviewed by expert panel. Criteria: ClinGen Galactosemia ACMG Specifications GALT V1.1. Collection method: curation. Allele origin: germline. Inheritance: Autosomal recessive inheritance.
Comment: The c.377+7A>G variant is an intronic variant and the computational splicing predictor SpliceAI gives a score of 0.2 for donor loss, predicting that the variant disrupts the donor splice site of intron 4 of GALT (PP3). The filtering allele frequency of the c.377+7A>G variant in GALT is 6.800e-7 for European (non-Finnish) chromosomes by gnomAD v4.1.1, which is lower than the ClinGen Galactosemia threshold (≤ 0.0005) for PM2_Supporting, and therefore meets this criterion (PM2_Supporting). At least one patient was identified by newborn screen, but repeat testing was negative and there was no second variant identified (PMID: 11919338). In summary, this variant meets the criteria to be classified as a variant of uncertain significance for galactosemia based on the ACMG/AMP criteria applied, as specified by the ClinGen Galactosemia VCEP: PM2_Supporting, PP3, (GALT specifications v1.1).

Labcorp Genetics (formerly Invitae), Labcorp
Classification: Likely benign for Deficiency of UDPglucose-hexose-1-phosphate uridylyltransferase. Last evaluated: 2026-01-05. Review status: criteria provided, single submitter. Criteria: Invitae Variant Classification Sherloc (09022015). Collection method: clinical testing. Allele origin: germline. Not counted in ClinVar's aggregate classification.

Women's Health and Genetics/Laboratory Corporation of America, LabCorp
Classification: Likely benign. Last evaluated: 2025-04-23. Review status: criteria provided, single submitter. Criteria: LabCorp Variant Classification Summary - May 2015. Collection method: clinical testing. Allele origin: germline. Not counted in ClinVar's aggregate classification.
Comment: Variant summary: GALT c.377+7A>G alters a nucleotide located at a position not widely known to affect splicing. Consensus agreement among computation tools predict no significant impact on normal splicing. However, these predictions have yet to be confirmed by functional studies. The variant allele was found at a frequency of 4e-06 in 251416 control chromosomes (gnomAD). The available data on variant occurrences in the general population are insufficient to allow any conclusion about variant significance. c.377+7A>G has been observed in one newborn with elevated galactose level (Item_2002). The report does not provide unequivocal conclusions about association of the variant with Galactosemia. To our knowledge, no experimental evidence demonstrating an impact on protein function has been reported. The following publication have been ascertained in the context of this evaluation (PMID: 11919338). ClinVar contains an entry for this variant (Variation ID: 495677). Based on the evidence outlined above, the variant was classified as likely benign.

Natera, Inc.
Classification: Uncertain significance for Galactosemia. Last evaluated: 2020-09-16. Review status: no assertion criteria provided. Collection method: clinical testing. Allele origin: germline. Not counted in ClinVar's aggregate classification.

Literature cited by the submitters: PubMed 11919338 (cited by Women's Health and Genetics/Laboratory Corporation of America, LabCorp).